The following is an entry in ClinVar:

ClinVar aggregate classification (germline): Conflicting classifications of pathogenicity. Review status: criteria provided, conflicting classifications (1 of 4 stars). 4 submissions from 4 submitters: Uncertain significance (3); Likely benign (1). Last evaluated 2025-11-21.

Conditions:
Renal cell carcinoma. Identifiers: Orphanet 217071, MedGen C0007134, MeSH D002292, MONDO:0005086, HP:0005584.
MET-related disorder. Also called: MET-related condition.
Hereditary cancer-predisposing syndrome. Also called: Neoplastic Syndromes, Hereditary; Tumor predisposition; Hereditary Cancer Syndrome; Hereditary neoplastic syndrome. Identifiers: Orphanet 140162, MedGen C0027672, MeSH D009386, MONDO:0015356.

Allele frequency attached by ClinVar (database versions not stated): ExAC 0.00001; gnomAD exomes 0.00001 and 0.00004; gnomAD 0.00003; TOPMed 0.00006; ESP Exome Variant Server 0.00008.
gnomAD v4.1: 58 of 1,613,980 alleles (0.0036%); highest among the groups gnomAD compares: South Asian, 0.0077%; no homozygotes.

Submissions (4):

PreventionGenetics, part of Exact Sciences
Classification: Uncertain significance for MET-related condition. Last evaluated: 2025-11-21. Review status: criteria provided, single submitter. Criteria: ACMG Guidelines, 2015. Collection method: clinical testing. Allele origin: germline.
Comment: The MET c.1279G>A variant is predicted to result in the amino acid substitution p.Val427Ile. To our knowledge, this variant has not been reported in the literature. This variant is reported in 3 of ~249,000 alleles in gnomAD. This variant has conflicting interpretations in ClinVar ranging from uncertain to likely benign (Variation ID: 220389). At this time, the clinical significance of this variant is uncertain due to the absence of conclusive functional and genetic evidence.

Labcorp Genetics (formerly Invitae), Labcorp
Classification: Uncertain significance for Renal cell carcinoma. Last evaluated: 2025-01-29. Review status: criteria provided, single submitter. Criteria: Invitae Variant Classification Sherloc (09022015). Collection method: clinical testing. Allele origin: germline.
Comment: This sequence change replaces valine, which is neutral and non-polar, with isoleucine, which is neutral and non-polar, at codon 427 of the MET protein (p.Val427Ile). This variant is present in population databases (rs376364468, gnomAD 0.006%). This variant has not been reported in the literature in individuals affected with MET-related conditions. ClinVar contains an entry for this variant (Variation ID: 220389). Invitae Evidence Modeling of protein sequence and biophysical properties (such as structural, functional, and spatial information, amino acid conservation, physicochemical variation, residue mobility, and thermodynamic stability) indicates that this missense variant is not expected to disrupt MET protein function with a negative predictive value of 80%. In summary, the available evidence is currently insufficient to determine the role of this variant in disease. Therefore, it has been classified as a Variant of Uncertain Significance.

Ambry Genetics
Classification: Likely benign for Hereditary cancer-predisposing syndrome. Last evaluated: 2024-07-19. Review status: criteria provided, single submitter. Criteria: Ambry Variant Classification Scheme 2023. Collection method: clinical testing. Allele origin: germline.

GeneDx
Classification: Uncertain significance. Last evaluated: 2024-03-12. Review status: criteria provided, single submitter. Criteria: GeneDx Variant Classification Process June 2021. Collection method: clinical testing. Allele origin: germline. Affected: yes.
Comment: Not observed at significant frequency in large population cohorts (gnomAD); In silico analysis supports that this missense variant does not alter protein structure/function; Has not been previously published as pathogenic or benign to our knowledge

NM_000245.4(MET):c.1279G>A (p.Val427Ile)

Gene: MET (MET proto-oncogene, receptor tyrosine kinase; plus strand). Cytogenetic location: 7q31.2.
Variant type: single nucleotide variant.
Coding change: c.1279G>A on transcript NM_000245.4 (MANE Select); coding-DNA position 1279, G replaced by A.
Protein change: p.Val427Ile; replaces valine 427 with isoleucine.
Molecular consequence: missense variant. On other transcripts: 5 prime UTR variant (1).
Genome position (GRCh38, 1-based): chr7:116,731,746, G>A. VCF-style: chr7-116731746-G-A. GRCh37 (hg19) VCF-style: chr7-116371800-G-A.
Other names: c.1279G>A, p.Val427Ile (NM_001127500.3, NM_001324401.3); c.-12G>A (NM_001324402.2); c.1279G>A (NM_001127500.2); short protein forms V427I.
Identifiers: ClinVar variation 220389 (VCV000220389.17), dbSNP rs376364468, ClinGen allele CA348239.